The following is an entry in ClinVar:

ClinVar aggregate classification (germline): Conflicting classifications of pathogenicity. Review status: criteria provided, conflicting classifications (1 of 4 stars). 4 submissions from 4 submitters: Uncertain significance (2); Likely benign (2). Last evaluated 2025-12-21.

Conditions:
Intellectual developmental disorder, autosomal dominant 29. Also called: SETBP1 Haploinsufficiency Disorder; Intellectual disability, autosomal dominant 29. Identifiers: Orphanet 436151, MedGen C4015141, MONDO:0014482, OMIM 616078.
Inborn genetic diseases. Identifiers: MedGen C0950123, MeSH D030342.

Allele frequency attached by ClinVar (database versions not stated): gnomAD 0.00003; TOPMed 0.00008.
gnomAD v4.1: 102 of 1,613,842 alleles (0.0063%); highest among the groups gnomAD compares: Middle Eastern, 0.016%; no homozygotes.

Submissions (4):

Labcorp Genetics (formerly Invitae), Labcorp
Classification: Likely benign. Last evaluated: 2025-12-21. Review status: criteria provided, single submitter. Criteria: Invitae Variant Classification Sherloc (09022015). Collection method: clinical testing. Allele origin: germline.

Ambry Genetics
Classification: Likely benign for Inborn genetic diseases. Last evaluated: 2024-12-03. Review status: criteria provided, single submitter. Criteria: Ambry Variant Classification Scheme 2023. Collection method: clinical testing. Allele origin: germline.

New York Genome Center
Classification: Uncertain significance for Intellectual developmental disorder, autosomal dominant 29. Last evaluated: 2021-02-19. Review status: criteria provided, single submitter. Criteria: NYGC Assertion Criteria 2020. Collection method: clinical testing. Allele origin: inherited. Observed: 1 heterozygote. Study: CSER-NYCKidSeq.
Comment: The inherited heterozygous c.584C>T (p.Thr195Met) missense variant identified in the SETBP1 gene has not been reported in affected individuals in the literature. The variant has 0.00002630 allele frequency in the gnomAD(v3) database (4out of 152114 heterozygous alleles, no homozygotes) suggesting it is not a common benign variant in populations represented in that database. The affected residue is not conserved and in silico tools show conflicting predictions about potential pathogenicity of this variant. Based on the available evidence, the inherited heterozygous c.584C>T (p.Thr195Met)missense variant identified in the SETBP1 gene is reported as a variant of uncertain significance.

CeGaT Center for Human Genetics Tuebingen
Classification: Uncertain significance. Last evaluated: 2019-02-01. Review status: criteria provided, single submitter. Criteria: CeGaT Center For Human Genetics Tuebingen Variant Classification Criteria Version 2. Collection method: clinical testing. Allele origin: germline. Affected: yes. Observed: 1 variant allele.

NM_015559.3(SETBP1):c.584C>T (p.Thr195Met)

Gene: SETBP1 (SET binding protein 1; plus strand). Cytogenetic location: 18q12.3.
Variant type: single nucleotide variant.
Coding change: c.584C>T on transcript NM_015559.3 (MANE Select); coding-DNA position 584, C replaced by T.
Protein change: p.Thr195Met; replaces threonine 195 with methionine.
Molecular consequence: missense variant.
Genome position (GRCh38, 1-based): chr18:44,949,924, C>T. VCF-style: chr18-44949924-C-T. GRCh37 (hg19) VCF-style: chr18-42529889-C-T.
Other names: c.584C>T (NM_015559.2); short protein forms T195M.
Identifiers: ClinVar variation 808391 (VCV000808391.49), dbSNP rs755852977, ClinGen allele CA8945462.